The following is an entry in ClinVar:

NM_004393.6(DAG1):c.2201C>T (p.Thr734Ile)

Gene: DAG1 (dystroglycan 1; plus strand). Cytogenetic location: 3p21.31.
Variant type: single nucleotide variant.
Coding change: c.2201C>T on transcript NM_004393.6 (MANE Select); coding-DNA position 2201, C replaced by T.
Protein change: p.Thr734Ile; replaces threonine 734 with isoleucine.
Molecular consequence: missense variant.
Genome position (GRCh38, 1-based): chr3:49,532,712, C>T. VCF-style: chr3-49532712-C-T. GRCh37 (hg19) VCF-style: chr3-49570145-C-T.
Other names: c.2201C>T, p.Thr734Ile (NM_001165928.4, NM_001177634.3, NM_001177635.3 and 9 more transcripts); short protein forms T734I.
Identifiers: ClinVar variation 2061527 (VCV002061527.3), dbSNP rs940802757, ClinGen allele CA74522631.

ClinVar aggregate classification (germline): Uncertain significance (1 of 4 stars; one submission).

Conditions:
Autosomal recessive limb-girdle muscular dystrophy type 2P. Also called: MUSCULAR DYSTROPHY, LIMB-GIRDLE, TYPE 2P; Limb-Girdle Muscular Dystrophy Type 9C; MUSCULAR DYSTROPHY-DYSTROGLYCANOPATHY, LIMB-GIRDLE, DAG1-RELATED. Identifiers: Orphanet 280333, MedGen C4511963, MONDO:0013440, OMIM 613818.
Muscular dystrophy-dystroglycanopathy (congenital with brain and eye anomalies), type A9. Also called: WALKER-WARBURG SYNDROME OR MUSCLE-EYE BRAIN DISEASE, DAG1-RELATED; Muscular dystrophy-dystroglycanopathy (congenital with brain and eye anomalies), type a, 9. Identifiers: Orphanet 370997, Orphanet 899, MedGen C4225291, MONDO:0014683, OMIM 616538.

gnomAD v4.1: 1 of 1,614,198 alleles (0.000062%); highest among the groups gnomAD compares: Non-Finnish European, 0.000085%; no homozygotes.

Submission:

Labcorp Genetics (formerly Invitae), Labcorp
Classification: Uncertain significance for Autosomal recessive limb-girdle muscular dystrophy type 2P; Muscular dystrophy-dystroglycanopathy (congenital with brain and eye anomalies), type A9. Last evaluated: 2021-12-28. Review status: criteria provided, single submitter. Criteria: Invitae Variant Classification Sherloc (09022015). Collection method: clinical testing. Allele origin: germline.
Comment: This sequence change replaces threonine, which is neutral and polar, with isoleucine, which is neutral and non-polar, at codon 734 of the DAG1 protein (p.Thr734Ile). This variant is not present in population databases (gnomAD no frequency). This variant has not been reported in the literature in individuals affected with DAG1-related conditions. Algorithms developed to predict the effect of missense changes on protein structure and function are either unavailable or do not agree on the potential impact of this missense change (SIFT: "Tolerated"; PolyPhen-2: "Probably Damaging"; Align-GVGD: "Class C0"). In summary, the available evidence is currently insufficient to determine the role of this variant in disease. Therefore, it has been classified as a Variant of Uncertain Significance.